The following is an entry in ClinVar:

ClinVar aggregate classification (germline): Uncertain significance (1 of 4 stars; one submission).

Conditions:
Infantile spasms. Also called: Infantile spasm. Identifiers: MedGen C3887898, HP:0012469.

Allele frequency attached by ClinVar (database versions not stated): gnomAD exomes below 0.00001 and 0.00001; ExAC 0.00001.
gnomAD v4.1: 13 of 1,614,198 alleles (0.00081%); highest among the groups gnomAD compares: Non-Finnish European, 0.0011%; no homozygotes.

Submission:

Labcorp Genetics (formerly Invitae), Labcorp
Classification: Uncertain significance for Infantile spasms. Last evaluated: 2022-08-15. Review status: criteria provided, single submitter. Criteria: Invitae Variant Classification Sherloc (09022015). Collection method: clinical testing. Allele origin: germline.
Comment: In summary, the available evidence is currently insufficient to determine the role of this variant in disease. Therefore, it has been classified as a Variant of Uncertain Significance. Algorithms developed to predict the effect of missense changes on protein structure and function (SIFT, PolyPhen-2, Align-GVGD) all suggest that this variant is likely to be tolerated. ClinVar contains an entry for this variant (Variation ID: 1515035). This variant has not been reported in the literature in individuals affected with PIK3AP1-related conditions. This variant is present in population databases (rs762096013, gnomAD 0.0009%). This sequence change replaces histidine, which is basic and polar, with arginine, which is basic and polar, at codon 120 of the PIK3AP1 protein (p.His120Arg).

NM_152309.3(PIK3AP1):c.359A>G (p.His120Arg)

Gene: PIK3AP1 (phosphoinositide-3-kinase adaptor protein 1; minus strand). Cytogenetic location: 10q24.1.
Variant type: single nucleotide variant.
Coding change: c.359A>G on transcript NM_152309.3 (MANE Select); coding-DNA position 359, A replaced by G.
Protein change: p.His120Arg; replaces histidine 120 with arginine.
Molecular consequence: missense variant.
Genome position (GRCh38, 1-based): chr10:96,709,638, T>C on the plus strand (A>G on the coding strand, the complement: PIK3AP1 is on the minus strand). VCF-style: chr10-96709638-T-C. GRCh37 (hg19) VCF-style: chr10-98469395-T-C.
Other names: short protein forms H120R.
Identifiers: ClinVar variation 1515035 (VCV001515035.8), dbSNP rs762096013, ClinGen allele CA5626567.